The following is an entry in ClinVar:

NM_001267550.2(TTN):c.104876C>A (p.Thr34959Lys)

Genes: TTN (titin; minus strand), TTN-AS1 (TTN antisense RNA 1; plus strand). Cytogenetic location: 2q31.2.
Variant type: single nucleotide variant.
Coding change: c.104876C>A on transcript NM_001267550.2 (MANE Select); coding-DNA position 104876, C replaced by A.
Protein change: p.Thr34959Lys; replaces threonine 34959 with lysine.
Molecular consequence: missense variant.
Genome position (GRCh38, 1-based): chr2:178,531,739, G>T on the plus strand (C>A on the coding strand, the complement: TTN is on the minus strand). VCF-style: chr2-178531739-G-T. GRCh37 (hg19) VCF-style: chr2-179396466-G-T.
Other names: c.99953C>A, p.Thr33318Lys (NM_001256850.1); c.77681C>A, p.Thr25894Lys (NM_003319.4); c.97172C>A, p.Thr32391Lys (NM_133378.4); c.78056C>A, p.Thr26019Lys (NM_133432.3); c.78257C>A, p.Thr26086Lys (NM_133437.4); short protein forms T26019K, T26086K, T32391K, T25894K, T33318K, T34959K.
Identifiers: ClinVar variation 2944562 (VCV002944562.2), dbSNP rs2468421014, ClinGen allele CA349410646.
Genomic context (GRCh38, chr2:178,531,739, plus strand): 5'-CCATTGTGGTACCATTTAACCTCGGCAGTTGGCTTAGACTGAACATTTAAAATAAAACGT[G>T]TATTTTGGCCACATGGTACCCTGTGCGAGCGCATTCTCAGTGTGATTCGAGGGGCATGGT-3'
Protein context (NP_001254479.2, residues 34949-34969): RSHRVPCGQN[Thr34959Lys]RFILNVQSKP

ClinVar aggregate classification (germline): Uncertain significance (1 of 4 stars; one submission).

Conditions:
Dilated cardiomyopathy 1G (CMD1G). Identifiers: Orphanet 154, MedGen C1858763, MONDO:0011400, OMIM 604145.
Autosomal recessive limb-girdle muscular dystrophy type 2J (LGMDR10). Also called: Limb-girdle muscular dystrophy, type 2J; MUSCULAR DYSTROPHY, LIMB-GIRDLE, AUTOSOMAL RECESSIVE 10. Identifiers: Orphanet 140922, MedGen C1837342, MONDO:0012127, OMIM 608807.

Submission:

Labcorp Genetics (formerly Invitae), Labcorp
Classification: Uncertain significance for Dilated cardiomyopathy 1G; Autosomal recessive limb-girdle muscular dystrophy type 2J. Last evaluated: 2023-08-02. Review status: criteria provided, single submitter. Criteria: Invitae Variant Classification Sherloc (09022015). Collection method: clinical testing. Allele origin: germline.
Comment: This variant is located in the M band of TTN (PMID: 25589632). Variants in this region may be relevant for neuromuscular disorders, but have not been definitively shown to cause cardiomyopathy (PMID: 23975875). This variant has not been reported in the literature in individuals affected with TTN-related conditions. This variant is not present in population databases (gnomAD no frequency). This sequence change replaces threonine, which is neutral and polar, with lysine, which is basic and polar, at codon 34959 of the TTN protein (p.Thr34959Lys). Experimental studies and prediction algorithms are not available or were not evaluated, and the functional significance of this variant is currently unknown. In summary, the available evidence is currently insufficient to determine the role of this variant in disease. Therefore, it has been classified as a Variant of Uncertain Significance.

Literature cited by the submitters: PubMed 25589632; PubMed 23975875.